The following is an entry in ClinVar:

ClinVar aggregate classification (germline): Uncertain significance (1 of 4 stars; one submission).

Conditions:
Kabuki syndrome. Also called: NIIKAWA-KUROKI SYNDROME; Kabuki make-up syndrome. Identifiers: Orphanet 2322, MedGen C0796004, MONDO:0016512.

Submission:

Labcorp Genetics (formerly Invitae), Labcorp
Classification: Uncertain significance for Kabuki syndrome. Last evaluated: 2025-05-18. Review status: criteria provided, single submitter. Criteria: Invitae Variant Classification Sherloc (09022015). Collection method: clinical testing. Allele origin: germline.
Comment: This sequence change replaces cysteine, which is neutral and slightly polar, with tyrosine, which is neutral and polar, at codon 5527 of the KMT2D protein (p.Cys5527Tyr). This variant is not present in population databases (gnomAD no frequency). This variant has not been reported in the literature in individuals affected with KMT2D-related conditions. Invitae Evidence Modeling of protein sequence and biophysical properties (such as structural, functional, and spatial information, amino acid conservation, physicochemical variation, residue mobility, and thermodynamic stability) indicates that this missense variant is expected to disrupt KMT2D protein function with a positive predictive value of 95%. In summary, the available evidence is currently insufficient to determine the role of this variant in disease. Therefore, it has been classified as a Variant of Uncertain Significance.

NM_003482.4(KMT2D):c.16580G>A (p.Cys5527Tyr)

Gene: KMT2D (lysine methyltransferase 2D; minus strand). Cytogenetic location: 12q13.12.
Variant type: single nucleotide variant.
Coding change: c.16580G>A on transcript NM_003482.4 (MANE Select); coding-DNA position 16580, G replaced by A.
Protein change: p.Cys5527Tyr; replaces cysteine 5527 with tyrosine.
Molecular consequence: missense variant.
Genome position (GRCh38, 1-based): chr12:49,021,814, C>T on the plus strand (G>A on the coding strand, the complement: KMT2D is on the minus strand). VCF-style: chr12-49021814-C-T. GRCh37 (hg19) VCF-style: chr12-49415597-C-T.
Other names: short protein forms C5527Y.
Identifiers: ClinVar variation 4801172 (VCV004801172.1).